The following is an entry in ClinVar:

ClinVar aggregate classification (germline): Uncertain significance (1 of 4 stars; one submission).

Conditions:
Glanzmann thrombasthenia. Also called: THROMBASTHENIA OF GLANZMANN AND NAEGELI; BLEEDING DISORDER, PLATELET-TYPE, 2; Glanzmann's thrombasthenia; PLATELET GLYCOPROTEIN IIb-IIIa DEFICIENCY; Thrombasthenia. Identifiers: Orphanet 849, MedGen C0040015, MONDO:0100326.

Submission:

Labcorp Genetics (formerly Invitae), Labcorp
Classification: Uncertain significance for Glanzmann thrombasthenia. Last evaluated: 2023-11-22. Review status: criteria provided, single submitter. Criteria: Invitae Variant Classification Sherloc (09022015). Collection method: clinical testing. Allele origin: germline.
Comment: This sequence change replaces serine, which is neutral and polar, with lysine, which is basic and polar, at codon 764 of the ITGA2B protein (p.Ser764Lys). Information on the frequency of this variant in the gnomAD database is not available, as this variant may be reported differently in the database. This variant has not been reported in the literature in individuals affected with ITGA2B-related conditions. An algorithm developed to predict the effect of missense changes on protein structure and function (PolyPhen-2) suggests that this variant is likely to be disruptive. In summary, the available evidence is currently insufficient to determine the role of this variant in disease. Therefore, it has been classified as a Variant of Uncertain Significance.

NM_000419.5(ITGA2B):c.2291_2292delinsAA (p.Ser764Lys)

Gene: ITGA2B (integrin subunit alpha 2b; minus strand). Cytogenetic location: 17q21.31.
Variant type: Indel.
Coding change: c.2291_2292delinsAA on transcript NM_000419.5 (MANE Select); coding-DNA positions 2291 to 2292, GC replaced by AA.
Protein change: p.Ser764Lys; replaces serine 764 with lysine.
Molecular consequence: missense variant.
Genome position (GRCh38, 1-based): chr17:44,376,364-44,376,365, GC replaced by TT on the plus strand (GC replaced by AA on the coding strand, the reverse complement: ITGA2B is on the minus strand). VCF-style: chr17-44376364-GC-TT. GRCh37 (hg19) VCF-style: chr17-42453732-GC-TT.
Other names: short protein forms S764K.
Identifiers: ClinVar variation 2977008 (VCV002977008.3), dbSNP rs2510075316, ClinGen allele CA2740093750.
Genomic context (GRCh38, chr17:44,376,364, plus strand): 5'-TCACCCTCGCAGCTCCACTTGGGCCTCTGCCCGGACCGGCACGTCCAGCAGCACAATCTT[GC>TT]TGTTTGGATTCTGGCTGTTCTTGCTAGAGGGGAGGGGATGAGGAGAAACAGGGCCAGGGA-3'
Protein context (NP_000410.2, residues 754-774): IRSKNSQNPN[Ser764Lys]KIVLLDVPVR